The following is an entry in ClinVar:

NM_022370.4(ROBO3):c.4116C>A (p.Ser1372Arg)

Gene: ROBO3 (roundabout guidance receptor 3; plus strand). Cytogenetic location: 11q24.2.
Variant type: single nucleotide variant.
Coding change: c.4116C>A on transcript NM_022370.4 (MANE Select); coding-DNA position 4116, C replaced by A.
Protein change: p.Ser1372Arg; replaces serine 1372 with arginine.
Molecular consequence: missense variant. On other transcripts: non-coding transcript variant (7).
Genome position (GRCh38, 1-based): chr11:124,880,575, C>A. VCF-style: chr11-124880575-C-A. GRCh37 (hg19) VCF-style: chr11-124750471-C-A.
Other names: c.1263C>A, p.Ser421Arg (NM_001370356.1, NM_001370357.1, NM_001370358.1 and 2 more transcripts); c.1068C>A, p.Ser356Arg (NM_001370364.1, NM_001370366.1); short protein forms S1372R, S356R, S421R.
Identifiers: ClinVar variation 303281 (VCV000303281.20), dbSNP rs139835890, ClinGen allele CA6344385.

ClinVar aggregate classification (germline): Conflicting classifications of pathogenicity. Review status: criteria provided, conflicting classifications (1 of 4 stars). 8 submissions from 8 submitters: Uncertain significance (1); Likely benign (6). 1 of the submissions does not count toward it. Last evaluated 2026-06-01.

Conditions:
Gaze palsy, familial horizontal, with progressive scoliosis 1 (HGPPS1). Identifiers: Orphanet 2744, MedGen C4551964, MONDO:0020790, OMIM 607313.
Inborn genetic diseases. Identifiers: MedGen C0950123, MeSH D030342.
ROBO3-related disorder. Also called: ROBO3-related condition.

Allele frequency attached by ClinVar (database versions not stated): 1000 Genomes Project 30x 0.00078; 1000 Genomes Project 0.00080; ExAC 0.00208; gnomAD exomes 0.00210 and 0.00341; gnomAD 0.00238 and 0.00247; TOPMed 0.00255; ESP Exome Variant Server 0.00297.
gnomAD v4.1: 5,126 of 1,551,946 alleles (0.33%); highest among the groups gnomAD compares: Middle Eastern, 0.55%; 16 homozygotes.

Submissions (8):

CeGaT Center for Human Genetics Tuebingen
Classification: Likely benign. Last evaluated: 2026-06-01. Review status: criteria provided, single submitter. Criteria: CeGaT Center For Human Genetics Tuebingen Variant Classification Criteria Version 2. Collection method: clinical testing. Allele origin: germline. Affected: yes. Observed: 2 variant alleles.
Comment: ROBO3: BP4, BS2

Genomic Medicine Center of Excellence, King Faisal Specialist Hospital and Research Centre
Classification: Likely benign. Last evaluated: 2025-08-18. Review status: criteria provided, single submitter. Criteria: ACMG Guidelines, 2015. Collection method: clinical testing. Allele origin: germline.

Blueprint Genetics
Classification: Likely benign. Last evaluated: 2024-11-26. Review status: criteria provided, single submitter. Criteria: ACMG Guidelines, 2015. Collection method: clinical testing. Allele origin: germline.

Ambry Genetics
Classification: Uncertain significance for Inborn genetic diseases. Last evaluated: 2021-07-21. Review status: criteria provided, single submitter. Criteria: Ambry Variant Classification Scheme 2023. Collection method: clinical testing. Allele origin: germline.

Labcorp Genetics (formerly Invitae), Labcorp
Classification: Likely benign. Last evaluated: 2019-12-31. Review status: criteria provided, single submitter. Criteria: Invitae Variant Classification Sherloc (09022015). Collection method: clinical testing. Allele origin: germline.

Illumina Laboratory Services, Illumina
Classification: Likely benign for Gaze palsy, familial horizontal, with progressive scoliosis 1. Last evaluated: 2018-01-13. Review status: criteria provided, single submitter. Criteria: ICSL Variant Classification Criteria 13 December 2019. Collection method: clinical testing. Allele origin: germline.
Comment: This variant was observed in the ICSL laboratory as part of a predisposition screen in an ostensibly healthy population. It had not been previously curated by ICSL or reported in the Human Gene Mutation Database (HGMD: prior to June 1st, 2018), and was therefore a candidate for classification through an automated scoring system. Utilizing variant allele frequency, disease prevalence and penetrance estimates, and inheritance mode, an automated score was calculated to assess if this variant is too frequent to cause the disease. Based on the score and internal cut-off values, a variant classified as likely benign is not then subjected to further curation. The score for this variant resulted in a classification of likely benign for this disease.

Breakthrough Genomics
Classification: Likely benign. Review status: criteria provided, single submitter. Criteria: ACMG Guidelines, 2015. Collection method: not provided. Allele origin: germline. Inheritance: Autosomal recessive inheritance. Affected: yes.

PreventionGenetics, part of Exact Sciences
Classification: Likely benign for ROBO3-related condition. Last evaluated: 2020-08-04. Review status: no assertion criteria provided. Collection method: clinical testing. Allele origin: germline. Not counted in ClinVar's aggregate classification.
Comment: This variant is classified as likely benign based on ACMG/AMP sequence variant interpretation guidelines (Richards et al. 2015 PMID: 25741868, with internal and published modifications).